The following is an entry in ClinVar:

ClinVar aggregate classification (germline): Uncertain significance (1 of 4 stars; one submission).

Conditions:
Primary ciliary dyskinesia. Also called: Ciliary dyskinesia. Identifiers: Orphanet 244, MedGen C0008780, MONDO:0016575, HP:0012265.

Allele frequency attached by ClinVar (database versions not stated): gnomAD 0.00002; TOPMed 0.00002.
gnomAD v4.1: 24 of 1,316,186 alleles (0.0018%); highest among the groups gnomAD compares: Non-Finnish European, 0.0022%; no homozygotes.

Submission:

Ambry Genetics
Classification: Uncertain significance for Primary ciliary dyskinesia. Last evaluated: 2023-03-20. Review status: criteria provided, single submitter. Criteria: Ambry Variant Classification Scheme 2023. Collection method: clinical testing. Allele origin: germline.
Comment: The p.R48C variant (also known as c.142C>T), located in coding exon 1 of the DNAAF5 gene, results from a C to T substitution at nucleotide position 142. The arginine at codon 48 is replaced by cysteine, an amino acid with highly dissimilar properties. This amino acid position is conserved. In addition, the in silico prediction for this alteration is inconclusive. Since supporting evidence is limited at this time, the clinical significance of this alteration remains unclear.

NM_017802.4(DNAAF5):c.142C>T (p.Arg48Cys)

Genes: DNAAF5 (dynein axonemal assembly factor 5; plus strand), PRKAR1B (protein kinase cAMP-dependent type I regulatory subunit beta; minus strand), LOC129997730 (ATAC-STARR-seq lymphoblastoid silent region 17816; plus strand). Cytogenetic location: 7p22.3.
Variant type: single nucleotide variant.
Coding change: c.142C>T on transcript NM_017802.4 (MANE Select); coding-DNA position 142, C replaced by T.
Protein change: p.Arg48Cys; replaces arginine 48 with cysteine.
Molecular consequence: missense variant. On other transcripts: non-coding transcript variant (1), intron variant (3).
Genome position (GRCh38, 1-based): chr7:726,862, C>T. VCF-style: chr7-726862-C-T. GRCh37 (hg19) VCF-style: chr7-766499-C-T.
Other names: c.-23+793G>A (NM_001164759.1); c.-23+728G>A (NM_001164758.2); c.-23+348G>A (NM_001164760.2); short protein forms R48C.
Identifiers: ClinVar variation 2563333 (VCV002563333.2), dbSNP rs887769888, ClinGen allele CA152333370.